The following is an entry in ClinVar:

ClinVar aggregate classification (germline): Pathogenic (1 of 4 stars; one submission).

Conditions:
Arrhythmogenic right ventricular dysplasia 8 (ARVD8). Also called: Arrhythmogenic Right Ventricular Dysplasia/Cardiomyopathy 8; ARRHYTHMOGENIC RIGHT VENTRICULAR DYSPLASIA, FAMILIAL, 8; ARRHYTHMOGENIC RIGHT VENTRICULAR CARDIOMYOPATHY 8. Identifiers: MedGen C1843896, MONDO:0011831, OMIM 607450.
Arrhythmogenic cardiomyopathy with wooly hair and keratoderma. Also called: PALMOPLANTAR KERATODERMA WITH LEFT VENTRICULAR CARDIOMYOPATHY AND WOOLLY HAIR; Carvajal syndrome; Dilated cardiomyopathy with woolly hair and keratoderma; Arrhythmogenic cardiomyopathy with woolly hair and keratoderma. Identifiers: Orphanet 65282, MedGen C1854063, MONDO:0011581, OMIM 605676.

Submission:

Labcorp Genetics (formerly Invitae), Labcorp
Classification: Pathogenic for Arrhythmogenic cardiomyopathy with wooly hair and keratoderma; Arrhythmogenic right ventricular dysplasia 8. Last evaluated: 2022-03-21. Review status: criteria provided, single submitter. Criteria: Invitae Variant Classification Sherloc (09022015). Collection method: clinical testing. Allele origin: germline.
Comment: This sequence change creates a premature translational stop signal (p.Gln417*) in the DSP gene. It is expected to result in an absent or disrupted protein product. Loss-of-function variants in DSP are known to be pathogenic (PMID: 20716751, 24503780, 25227139). This variant is not present in population databases (gnomAD no frequency). For these reasons, this variant has been classified as Pathogenic. This variant has not been reported in the literature in individuals affected with DSP-related conditions.

Literature cited by the submitters: PubMed 20716751; PubMed 24503780; PubMed 25227139.

NM_004415.4(DSP):c.1249C>T (p.Gln417Ter)

Gene: DSP (desmoplakin; plus strand). Cytogenetic location: 6p24.3.
Variant type: single nucleotide variant.
Coding change: c.1249C>T on transcript NM_004415.4 (MANE Select); coding-DNA position 1249, C replaced by T.
Protein change: p.Gln417Ter; replaces glutamine 417 with a stop codon.
Molecular consequence: nonsense.
Genome position (GRCh38, 1-based): chr6:7,567,889, C>T. VCF-style: chr6-7567889-C-T. GRCh37 (hg19) VCF-style: chr6-7568122-C-T.
Other names: c.1249C>T, p.Gln417Ter (NM_001008844.3, NM_001319034.2, NM_001406591.1); short protein forms Q417*.
Identifiers: ClinVar variation 2115693 (VCV002115693.4), dbSNP rs2533882036, ClinGen allele CA362676230.